The following is an entry in ClinVar:

ClinVar aggregate classification (germline): Likely pathogenic (1 of 4 stars; one submission).

Conditions:
Neuronal ceroid lipofuscinosis. Also called: Neuronal Ceroid Lipofuscinoses. Identifiers: Orphanet 216, Orphanet 79263, MedGen C0027877, MONDO:0016295. Disease mechanism: loss of function.

Submission:

Myriad Genetics, Inc.
Classification: Likely pathogenic for Neuronal ceroid lipofuscinosis. Last evaluated: 2019-05-03. Review status: criteria provided, single submitter. Criteria: Myriad Autosomal Dominant, Autosomal Recessive and X-Linked Classification Criteria (2023). Collection method: clinical testing. Allele origin: unknown.
Comment: NM_017882.2(CLN6):c.218G>A(W73*) is expected to be pathogenic in the context of CLN6-related neuronal ceroid lipofuscinosis. This variant is predicted to lead to an abnormal or absent protein product due to the creation of a premature termination codon in CLN6, a gene where loss-of-function variants are known to be pathogenic. Please note: this variant was assessed in the context of healthy population screening.

NM_017882.3(CLN6):c.218G>A (p.Trp73Ter)

Gene: CLN6 (CLN6 transmembrane ER protein; minus strand). Cytogenetic location: 15q23.
Variant type: single nucleotide variant.
Coding change: c.218G>A on transcript NM_017882.3 (MANE Select); coding-DNA position 218, G replaced by A.
Protein change: p.Trp73Ter; replaces tryptophan 73 with a stop codon.
Molecular consequence: nonsense.
Genome position (GRCh38, 1-based): chr15:68,214,369, C>T on the plus strand (G>A on the coding strand, the complement: CLN6 is on the minus strand). VCF-style: chr15-68214369-C-T. GRCh37 (hg19) VCF-style: chr15-68506707-C-T.
Other names: short protein forms W73*.
Identifiers: ClinVar variation 984030 (VCV000984030.4), dbSNP rs2093214695, ClinGen allele CA392974482.